The following is an entry in ClinVar:

ClinVar aggregate classification (germline): Uncertain significance. Review status: criteria provided, multiple submitters, no conflicts (2 of 4 stars). 2 submissions from 2 submitters: Uncertain significance (2). Last evaluated 2021-06-11.

Conditions:
Charcot-Marie-Tooth disease type 2. Also called: Charcot-Marie-Tooth type 2. Identifiers: Orphanet 64746, MedGen C0270914, MONDO:0018993.

Allele frequency attached by ClinVar (database versions not stated): gnomAD exomes below 0.00001.
gnomAD v4.1: 1 of 1,608,980 alleles (0.000062%); highest among the groups gnomAD compares: Non-Finnish European, 0.000085%; no homozygotes.

Submissions (2):

Ambry Genetics
Classification: Uncertain significance. Last evaluated: 2021-06-11. Review status: criteria provided, single submitter. Criteria: Ambry Variant Classification Scheme 2023. Collection method: clinical testing. Allele origin: germline.
Comment: The p.M457V variant (also known as c.1369A>G), located in coding exon 13 of the KIF1B gene, results from an A to G substitution at nucleotide position 1369. The methionine at codon 457 is replaced by valine, an amino acid with highly similar properties. This amino acid position is highly conserved in available vertebrate species. In addition, the in silico prediction for this alteration is inconclusive. Since supporting evidence is limited at this time, the clinical significance of this alteration remains unclear.

Labcorp Genetics (formerly Invitae), Labcorp
Classification: Uncertain significance for Charcot-Marie-Tooth disease type 2. Last evaluated: 2016-08-27. Review status: criteria provided, single submitter. Criteria: Invitae Variant Classification Sherloc (09022015). Collection method: clinical testing. Allele origin: germline.
Comment: Algorithms developed to predict the effect of missense changes on protein structure and function (SIFT, PolyPhen-2, Align-GVGD) all suggest that this variant is likely to be tolerated, but these predictions have not been confirmed by published functional studies. In summary, this variant is a novel missense change that is not predicted to affect protein function. There is no indication that it causes disease, but the available evidence is currently insufficient to prove that conclusively. Therefore, it has been classified as a Variant of Uncertain Significance. This variant is not present in population databases (ExAC no frequency) and has not been reported in the literature in individuals with a KIF1B-related disease. This sequence change replaces methionine with valine at codon 457 of the KIF1B protein (p.Met457Val). The methionine residue is moderately conserved and there is a small physicochemical difference between methionine and valine.

NM_001365951.3(KIF1B):c.1507A>G (p.Met503Val)

Gene: KIF1B (kinesin family member 1B; plus strand). Cytogenetic location: 1p36.22.
Variant type: single nucleotide variant.
Coding change: c.1507A>G on transcript NM_001365951.3 (MANE Select); coding-DNA position 1507, A replaced by G.
Protein change: p.Met503Val; replaces methionine 503 with valine.
Molecular consequence: missense variant.
Genome position (GRCh38, 1-based): chr1:10,291,154, A>G. VCF-style: chr1-10291154-A-G. GRCh37 (hg19) VCF-style: chr1-10351212-A-G.
Other names: c.1507A>G, p.Met503Val (NM_001365952.1); c.1369A>G, p.Met457Val (NM_001365953.1, NM_015074.3, NM_183416.4); short protein forms M457V, M503V.
Identifiers: ClinVar variation 408313 (VCV000408313.11), dbSNP rs1060501913, ClinGen allele CA16609853.